The following is an entry in ClinVar:

ClinVar aggregate classification (germline): Conflicting classifications of pathogenicity. Review status: criteria provided, conflicting classifications (1 of 4 stars). 5 submissions from 5 submitters: Uncertain significance (3); Likely benign (2). Last evaluated 2026-01-02.

Conditions:
Osteogenesis imperfecta type I (OI1). Also called: OI, TYPE I; OSTEOGENESIS IMPERFECTA TARDA; OSTEOGENESIS IMPERFECTA WITH BLUE SCLERAE; Osteogenesis imperfecta type 1; Lobstein disease; Lobstein's Disease. Identifiers: Orphanet 216796, Orphanet 666, MedGen C0023931, MONDO:0008146, OMIM 166200. Disease mechanism: loss of function.
Cardiovascular phenotype. Identifiers: MedGen CN230736.

Submissions (5):

Labcorp Genetics (formerly Invitae), Labcorp
Classification: Likely benign for Osteogenesis imperfecta type I. Last evaluated: 2026-01-02. Review status: criteria provided, single submitter. Criteria: Invitae Variant Classification Sherloc (09022015). Collection method: clinical testing. Allele origin: germline.

Women's Health and Genetics/Laboratory Corporation of America, LabCorp
Classification: Uncertain significance. Last evaluated: 2025-11-04. Review status: criteria provided, single submitter. Criteria: LabCorp Variant Classification Summary - May 2015. Collection method: clinical testing. Allele origin: germline.
Comment: Variant summary: COL1A1 c.438_446dupCCCCGGACC (p.Pro152_Gly154dup) results in an in-frame duplication that is predicted to duplicate 3 amino acids into the encoded protein. The variant allele was found at a frequency of 5.6e-05 in 89648 control chromosomes. The available data on variant occurrences in the general population are insufficient to allow any conclusion about variant significance. To our knowledge, no occurrence of c.438_446dupCCCCGGACC in individuals affected with COL1A1-related conditions and no experimental evidence demonstrating its impact on protein function have been reported. ClinVar contains an entry for this variant (Variation ID: 1155597). Based on the evidence outlined above, the variant was classified as uncertain significance.

GeneDx
Classification: Uncertain significance. Last evaluated: 2025-01-09. Review status: criteria provided, single submitter. Criteria: GeneDx Variant Classification Process June 2021. Collection method: clinical testing. Allele origin: germline. Affected: yes.
Comment: Has not been previously published as pathogenic or benign to our knowledge; In-frame duplication of three amino acids in the minor triple helix within the N-terminal domain, predicted to add one extra Gly-Pro-Pro repeat in region with four consecutive Gly-Pro-Pro repeats; This variant is associated with the following publications: (PMID: 27535533)

Blueprint Genetics
Classification: Likely benign. Last evaluated: 2024-10-08. Review status: criteria provided, single submitter. Criteria: ACMG Guidelines, 2015. Collection method: clinical testing. Allele origin: germline.

Ambry Genetics
Classification: Uncertain significance for Cardiovascular phenotype. Last evaluated: 2024-03-07. Review status: criteria provided, single submitter. Criteria: Ambry Variant Classification Scheme 2023. Collection method: clinical testing. Allele origin: germline.
Comment: The c.438_446dupCCCCGGACC variant (also known as p.P152_G154dup), located in coding exon 5 of the COL1A1 gene, results from an in-frame duplication of CCCCGGACC at nucleotide positions 438 to 446. This results in the duplication of 3 extra residues (PPG) between codons 152 and 154. This amino acid region is well conserved in available vertebrate species. In addition, this alteration is predicted to be neutral by in silico analysis (Choi Y et al. PLoS ONE. 2012; 7(10):e46688). Based on the available evidence, the clinical significance of this alteration remains unclear.

NM_000088.4(COL1A1):c.429CCCCGGACC[3] (p.143PPG[5])

Gene: COL1A1 (collagen type I alpha 1 chain; minus strand). Cytogenetic location: 17q21.33.
Variant type: Microsatellite.
Coding change: c.429CCCCGGACC[3] on transcript NM_000088.4 (MANE Select); three copies in a row of the 9-base unit CCCCGGACC starting at c.429; the reference has two copies in a row; one copy, 9 bases duplicated.
Protein change: p.143PPG[5].
Molecular consequence: inframe insertion.
Genome position (GRCh38, 1-based): chr17:50,199,251-50,199,259, GGTCCGGGG duplicated on the plus strand (CCCCGGACC on the coding strand, the reverse complement: COL1A1 is on the minus strand); duplicating any 9 consecutive bases within chr17:50,199,251-50,199,276 gives the same sequence; the position shown is the placement nearest the transcript's 3' end. VCF-style (leftmost placement, unchanged base first): chr17-50199250-A-AGGTCCGGGG. GRCh37 (hg19) VCF-style: chr17-48276611-A-AGGTCCGGGG.
Other names: c.438_446dupCCCCGGACC (NM_000088.4, NM_000088.3).
Identifiers: ClinVar variation 1155597 (VCV001155597.18), dbSNP rs769867566, ClinGen allele CA8645700.